The following is an entry in ClinVar:

NM_000492.4(CFTR):c.1767-136T>C

Gene: CFTR (CF transmembrane conductance regulator; plus strand). Cytogenetic location: 7q31.2.
Variant type: single nucleotide variant.
Coding change: c.1767-136T>C on transcript NM_000492.4 (MANE Select); 136 bases into the intron before coding-DNA position 1767, T replaced by C.
Molecular consequence: intron variant.
Genome position (GRCh38, 1-based): chr7:117,591,798, T>C. VCF-style: chr7-117591798-T-C. GRCh37 (hg19) VCF-style: chr7-117231852-T-C.
Other names: c.1767-136T>C (NM_000492.3).
Identifiers: ClinVar variation 1177029 (VCV001177029.7), dbSNP rs11978434, ClinGen allele CA16312566.

ClinVar aggregate classification (germline): Benign/Likely benign. Review status: criteria provided, multiple submitters, no conflicts (2 of 4 stars). 4 submissions from 4 submitters: Benign (2); Likely benign (1). 1 of the submissions does not count toward it. Last evaluated 2023-05-22.

Conditions:
CFTR-related disorder (CFTR-RD). Also called: CFTR-related condition; CFTR-related disorders. Identifiers: MedGen C5924204, MONDO:7770004.
Cystic fibrosis (CF). Also called: MUCOVISCIDOSIS. Identifiers: Orphanet 586, MedGen C0010674, MONDO:0009061, OMIM 219700. Disease mechanism: loss of function.

Allele frequency attached by ClinVar (database versions not stated): gnomAD 0.20269 and 0.20764; gnomAD exomes 0.21819; 1000 Genomes Project 30x 0.13398; 1000 Genomes Project 0.13039; TOPMed 0.18435.
gnomAD v4.1: 121,905 of 571,422 alleles (21%); highest among the groups gnomAD compares: Non-Finnish European, 24%; 14,909 homozygotes.

Submissions (4):

Women's Health and Genetics/Laboratory Corporation of America, LabCorp
Classification: Benign. Last evaluated: 2023-05-22. Review status: criteria provided, single submitter. Criteria: LabCorp Variant Classification Summary - May 2015. Collection method: clinical testing. Allele origin: germline.
Comment: Variant summary: CFTR c.1767-136T>C is located at a position not widely known to affect splicing. 4/4 computational tools predict no significant impact on normal splicing. However, these predictions have yet to be confirmed by functional studies. The variant allele was found at a frequency of 0.23 in 31304 control chromosomes in the gnomAD database, including 993 homozygotes. The observed variant frequency is approximately 17.6 fold of the estimated maximal expected allele frequency for a pathogenic variant in CFTR causing Cystic Fibrosis phenotype (0.013), strongly suggesting that the variant is benign. To our knowledge, no occurrence of c.1767-136T>C in individuals affected with Cystic Fibrosis and no experimental evidence demonstrating its impact on protein function have been reported. Three clinical diagnostic laboratories have submitted clinical-significance assessments for this variant to ClinVar after 2014 without evidence for independent evaluation. All laboratories classified the variant as benign/likely benign. Based on the evidence outlined above, the variant was classified as benign.

Genome-Nilou Lab
Classification: Likely benign for Cystic fibrosis. Last evaluated: 2021-07-01. Review status: criteria provided, single submitter. Criteria: ACMG Guidelines, 2015. Collection method: clinical testing. Allele origin: germline. Affected: no.

GeneDx
Classification: Benign. Last evaluated: 2018-06-21. Review status: criteria provided, single submitter. Criteria: GeneDx Variant Classification Process June 2021. Collection method: clinical testing. Allele origin: germline. Affected: yes.

Natera, Inc.
Classification: Benign for CFTR-related disorders. Last evaluated: 2018-11-13. Review status: no assertion criteria provided. Collection method: clinical testing. Allele origin: germline. Not counted in ClinVar's aggregate classification.